The following is an entry in ClinVar:

ClinVar aggregate classification (germline): Conflicting classifications of pathogenicity. Review status: criteria provided, conflicting classifications (1 of 4 stars). 3 submissions from 3 submitters: Pathogenic (2); Uncertain significance (1). Last evaluated 2024-08-19.

Conditions:
Cataract 1 multiple types. Also called: CATARACT 1, MULTIPLE TYPES, WITH OR WITHOUT MICROCORNEA; CATARACT 1, POSTERIOR SUBCAPSULAR, WITH MICROCORNEA; CATARACT 1, STELLATE NUCLEAR, WITH MICROCORNEA; CATARACT, DUFFY-LINKED; CATARACT 1, NUCLEAR PROGRESSIVE; CATARACT 1 WITH MICROCORNEA. Identifiers: Orphanet 1377, MedGen C1861828, MONDO:0007285, OMIM 116200.

Submissions (3):

Labcorp Genetics (formerly Invitae), Labcorp
Classification: Pathogenic for Cataract 1 multiple types. Last evaluated: 2024-08-19. Review status: criteria provided, single submitter. Criteria: Invitae Variant Classification Sherloc (09022015). Collection method: clinical testing. Allele origin: germline.
Comment: This sequence change replaces proline, which is neutral and non-polar, with threonine, which is neutral and polar, at codon 88 of the GJA8 protein (p.Pro88Thr). This variant is not present in population databases (gnomAD no frequency). This missense change has been observed in individual(s) with autosomal dominant congenital cataracts (PMID: 24535056). It has also been observed to segregate with disease in related individuals. Invitae Evidence Modeling of protein sequence and biophysical properties (such as structural, functional, and spatial information, amino acid conservation, physicochemical variation, residue mobility, and thermodynamic stability) indicates that this missense variant is expected to disrupt GJA8 protein function with a positive predictive value of 95%. Experimental studies have shown that this missense change affects GJA8 function (PMID: 24535056). This variant disrupts the p.Pro88 amino acid residue in GJA8. Other variant(s) that disrupt this residue have been determined to be pathogenic (PMID: 35531093). This suggests that this residue is clinically significant, and that variants that disrupt this residue are likely to be disease-causing. For these reasons, this variant has been classified as Pathogenic.

Dept. Genetics and Cancer, Menzies Institute for Medical Research, University of Tasmania
Classification: Uncertain significance for Cataract 1 multiple types. Last evaluated: 2023-01-21. Review status: criteria provided, single submitter. Criteria: ACMG Guidelines, 2015. Collection method: curation. Allele origin: germline. Affected: yes.
Comment: Variant identified and curated during a GJA8 specific review of the literature in relation to pediatric or congenital cataract. ACMG-AMP criteria applied: PM1(Supporting), PM2(Supporting), PM5(Supporting), PP3. Original variant report: PMID:24535056. The cataract phenotype reported for this variant is: Total. Gene review and curation guidelines are outlined in: DOI 10.1080/17469899.2023.2160320

Juno Genomics, Hangzhou Juno Genomics, Inc
Classification: Pathogenic for Cataract 1 multiple types. Review status: criteria provided, single submitter. Criteria: ACMG Guidelines, 2015. Collection method: clinical testing. Allele origin: germline. Affected: yes.
Comment: Absent from controls (or at extremely low frequency if recessive) in Genome Aggregation Database.;Multiple lines of computational evidence support a deleterious effect on the gene or gene product.;The prevalence of the variant in affected individuals is significantly increased compared to the prevalence in controls.;Patient's phenotype or family history is highly specific for a disease with a single genetic etiology.;Co-segregation with disease in multiple affected family members.;Novel missense change at an amino acid residue where a different missense change determined to be pathogenic has been seen before.

Literature cited by the submitters: PubMed 24535056 (cited by Labcorp Genetics (formerly Invitae), Labcorp and Dept. Genetics and Cancer, Menzies Institute for Medical Research, University of Tasmania); PubMed 35531093 (cited by Labcorp Genetics (formerly Invitae), Labcorp).

NM_005267.5(GJA8):c.262C>A (p.Pro88Thr)

Gene: GJA8 (gap junction protein alpha 8; plus strand). Cytogenetic location: 1q21.2.
Variant type: single nucleotide variant.
Coding change: c.262C>A on transcript NM_005267.5 (MANE Select); coding-DNA position 262, C replaced by A.
Protein change: p.Pro88Thr; replaces proline 88 with threonine.
Molecular consequence: missense variant.
Genome position (GRCh38, 1-based): chr1:147,908,217, C>A. VCF-style: chr1-147908217-C-A. GRCh37 (hg19) VCF-style: chr1-147380344-C-A.
Other names: short protein forms P88T.
Identifiers: ClinVar variation 3253657 (VCV003253657.4), dbSNP rs80358200.
Genomic context (GRCh38, chr1:147,908,217, plus strand): 5'-GAGGCCTTTCCCATCTCCCACATTCGCCTCTGGGTGCTGCAGATCATCTTCGTCTCCACC[C>A]CGTCCCTGATGTACGTGGGGCACGCGGTGCACTACGTCCGCATGGAGGAGAAGCGCAAAA-3'
Protein context (NP_005258.2, residues 78-98): WVLQIIFVST[Pro88Thr]SLMYVGHAVH